The following is an entry in ClinVar:

NM_005422.4(TECTA):c.874A>T (p.Ile292Phe)

Genes: TBCEL-TECTA (TBCEL-TECTA readthrough; plus strand), TECTA (tectorin alpha; plus strand). Cytogenetic location: 11q23.3.
Variant type: single nucleotide variant.
Coding change: c.874A>T on transcript NM_005422.4 (MANE Select); coding-DNA position 874, A replaced by T.
Protein change: p.Ile292Phe; replaces isoleucine 292 with phenylalanine.
Molecular consequence: missense variant.
Genome position (GRCh38, 1-based): chr11:121,118,389, A>T. VCF-style: chr11-121118389-A-T. GRCh37 (hg19) VCF-style: chr11-120989098-A-T.
Other names: c.1831A>T, p.Ile611Phe (NM_001378761.1); short protein forms I292F, I611F.
Identifiers: ClinVar variation 2570813 (VCV002570813.27), dbSNP rs374934801, ClinGen allele CA6326627.

ClinVar aggregate classification (germline): Uncertain significance (1 of 4 stars; one submission).

Allele frequency attached by ClinVar (database versions not stated): ExAC 0.00001; gnomAD 0.00001; gnomAD exomes 0.00001; TOPMed 0.00001; ESP Exome Variant Server 0.00008.
gnomAD v4.1: 8 of 1,613,984 alleles (0.0005%); highest among the groups gnomAD compares: Non-Finnish European, 0.00059%; no homozygotes.

Submission:

CeGaT Center for Human Genetics Tuebingen
Classification: Uncertain significance. Last evaluated: 2023-04-01. Review status: criteria provided, single submitter. Criteria: CeGaT Center For Human Genetics Tuebingen Variant Classification Criteria Version 2. Collection method: clinical testing. Allele origin: germline. Affected: yes. Observed: 1 variant allele.
Comment: TECTA: PM2, BP4